The following is an entry in ClinVar:

ClinVar aggregate classification (germline): Likely pathogenic (1 of 4 stars; one submission).

Conditions:
Autosomal recessive nonsyndromic hearing loss 77. Identifiers: Orphanet 90636, MedGen C2746083, MONDO:0013119, OMIM 613079.

Submission:

Human Genetics Bochum, Ruhr University Bochum
Classification: Likely pathogenic for Autosomal recessive nonsyndromic hearing loss 77. Last evaluated: 2025-07-15. Review status: criteria provided, single submitter. Criteria: ACMG Guidelines, 2015. Collection method: clinical testing. Allele origin: germline. Affected: yes.
Comment: in compound heterozygous state with c.5294G>A; ACMG criteria used to clasify this variant: PVS1, PM2_SUP

NM_001384474.1(LOXHD1):c.2870_2883delinsT (p.Ser957fs)

Gene: LOXHD1 (lipoxygenase homology PLAT domains 1; minus strand). Cytogenetic location: 18q21.1.
Variant type: Indel.
Coding change: c.2870_2883delinsT on transcript NM_001384474.1 (MANE Select); coding-DNA positions 2870 to 2883, CGTCCTCATCAGAG replaced by T.
Protein change: p.Ser957fs; shifts the reading frame from serine 957.
Molecular consequence: frameshift variant.
Genome position (GRCh38, 1-based): chr18:46,560,261-46,560,274, CTCTGATGAGGACG replaced by A on the plus strand (CGTCCTCATCAGAG replaced by T on the coding strand, the reverse complement: LOXHD1 is on the minus strand). VCF-style: chr18-46560261-CTCTGATGAGGACG-A. GRCh37 (hg19) VCF-style: chr18-44140224-CTCTGATGAGGACG-A.
Other names: c.2870_2883delinsT, p.Ser957fs (NM_144612.7); short protein forms S957fs.
Identifiers: ClinVar variation 4687934 (VCV004687934.1).
Genomic context (GRCh38, chr18:46,560,261, plus strand): 5'-CGGCCCAAACTCCTCCTCTTCCTCCTCTTCTTCCATCTCCTCCTCCTCTGACGAGGACTC[CTCTGATGAGGACG>A]ACTCCTCTTCCTCCCCCTCGTCCTCTTCGTCGCTGCCCTTCCTCTTCTTCTTCTTCCTCT-3'